The following is an entry in ClinVar:

ClinVar aggregate classification (germline): Pathogenic (1 of 4 stars; one submission).

Conditions:
Gnathodiaphyseal dysplasia (GDD). Also called: GNATHODIAPHYSEAL SCLEROSIS; OSTEOGENESIS IMPERFECTA WITH UNUSUAL SKELETAL LESIONS. Identifiers: Orphanet 53697, MedGen C1833736, MONDO:0008151, OMIM 166260.
Autosomal recessive limb-girdle muscular dystrophy type 2L (LGMDR12). Also called: Limb-girdle muscular dystrophy, type 2L; Limb-Girdle Muscular Dystrophy R12 Anoctamin-5-Related (LGMD-R12); MUSCULAR DYSTROPHY, LIMB-GIRDLE, AUTOSOMAL RECESSIVE 12. Identifiers: Orphanet 206549, MedGen C1969785, MONDO:0012652, OMIM 611307.

Submission:

Labcorp Genetics (formerly Invitae), Labcorp
Classification: Pathogenic for Autosomal recessive limb-girdle muscular dystrophy type 2L; Gnathodiaphyseal dysplasia. Last evaluated: 2025-06-09. Review status: criteria provided, single submitter. Criteria: Invitae Variant Classification Sherloc (09022015). Collection method: clinical testing. Allele origin: germline.
Comment: This sequence change creates a premature translational stop signal (p.Gln731Hisfs*13) in the ANO5 gene. It is expected to result in an absent or disrupted protein product. Loss-of-function variants in ANO5 are known to be pathogenic (PMID: 21186264, 23606453, 25891276, 30919934). This variant is present in population databases (rs746738154, gnomAD 0.0009%). This variant has not been reported in the literature in individuals affected with ANO5-related conditions. ClinVar contains an entry for this variant (Variation ID: 1440062). Algorithms developed to predict the effect of sequence changes on RNA splicing suggest that this variant may disrupt the consensus splice site. For these reasons, this variant has been classified as Pathogenic.

Literature cited by the submitters: PubMed 21186264; PubMed 23606453; PubMed 25891276; PubMed 30919934.

NM_213599.3(ANO5):c.2193_2197del (p.Gln731fs)

Gene: ANO5 (anoctamin 5; plus strand). Cytogenetic location: 11p14.3.
Variant type: Deletion.
Coding change: c.2193_2197del on transcript NM_213599.3 (MANE Select); coding-DNA positions 2193 to 2197, 5 bases deleted (AGACA; older notation c.2193_2197delAGACA).
Protein change: p.Gln731fs; shifts the reading frame from glutamine 731.
Molecular consequence: frameshift variant.
Genome position (GRCh38, 1-based): chr11:22,272,947-22,272,951, AGACA deleted; deleting any 5 consecutive bases within chr11:22,272,945-22,272,951 gives the same sequence; the c. name uses the placement nearest the transcript's 3' end. VCF-style (leftmost placement, unchanged base first): chr11-22272944-GCAAGA-G. GRCh37 (hg19) VCF-style: chr11-22294490-GCAAGA-G.
Other names: c.2190_2194del, p.Gln730fs (NM_001142649.2); short protein forms Q730fs, Q731fs.
Identifiers: ClinVar variation 1440062 (VCV001440062.6), dbSNP rs746738154, ClinGen allele CA5923472.